The following is an entry in ClinVar:

ClinVar aggregate classification (germline): Uncertain significance (1 of 4 stars; one submission).

Conditions:
TBX3-related disorder. Also called: TBX3-related condition.

gnomAD v4.1: 4 of 1,613,968 alleles (0.00025%); highest among the groups gnomAD compares: South Asian, 0.0011%; no homozygotes.

Submission:

PreventionGenetics, part of Exact Sciences
Classification: Uncertain significance for TBX3-related condition. Last evaluated: 2025-06-23. Review status: criteria provided, single submitter. Criteria: ACMG Guidelines, 2015. Collection method: clinical testing. Allele origin: germline.
Comment: The TBX3 c.277A>G variant is predicted to result in the amino acid substitution p.Met93Val. To our knowledge, this variant has not been reported in the literature or in a large population database (gnomAD), indicating this variant is rare. At this time, the clinical significance of this variant is uncertain due to the absence of conclusive functional and genetic evidence.

NM_005996.4(TBX3):c.277A>G (p.Met93Val)

Genes: TBX3 (T-box transcription factor 3; minus strand), TBX3-AS1 (TBX3 antisense RNA 1; plus strand). Cytogenetic location: 12q24.21.
Variant type: single nucleotide variant.
Coding change: c.277A>G on transcript NM_005996.4 (MANE Select); coding-DNA position 277, A replaced by G.
Protein change: p.Met93Val; replaces methionine 93 with valine.
Molecular consequence: missense variant.
Genome position (GRCh38, 1-based): chr12:114,682,924, T>C on the plus strand (A>G on the coding strand, the complement: TBX3 is on the minus strand). VCF-style: chr12-114682924-T-C. GRCh37 (hg19) VCF-style: chr12-115120729-T-C.
Other names: c.277A>G, p.Met93Val (NM_016569.4); short protein forms M93V.
Identifiers: ClinVar variation 4998051 (VCV004998051.1).